The following is an entry in ClinVar:

NM_000070.3(CAPN3):c.1456C>T (p.Gln486Ter)

Gene: CAPN3 (calpain 3; plus strand). Cytogenetic location: 15q15.1.
Variant type: single nucleotide variant.
Coding change: c.1456C>T on transcript NM_000070.3 (MANE Select); coding-DNA position 1456, C replaced by T.
Protein change: p.Gln486Ter; replaces glutamine 486 with a stop codon.
Molecular consequence: nonsense.
Genome position (GRCh38, 1-based): chr15:42,401,742, C>T. VCF-style: chr15-42401742-C-T. GRCh37 (hg19) VCF-style: chr15-42693940-C-T.
Other names: c.1456C>T (NM_000070.2); c.1456C>T, p.Gln486Ter (NM_024344.2); c.1312C>T, p.Gln438Ter (NM_173087.2); short protein forms Q438*, Q486*.
Identifiers: ClinVar variation 1450732 (VCV001450732.12), dbSNP rs2141199686, ClinGen allele CA391999883.

ClinVar aggregate classification (germline): Pathogenic/Likely pathogenic. Review status: criteria provided, multiple submitters, no conflicts (2 of 4 stars). 4 submissions from 4 submitters: Pathogenic (2); Likely pathogenic (2). Last evaluated 2026-02-13.

Conditions:
Autosomal recessive limb-girdle muscular dystrophy type 2A (LGMDR1). Also called: Limb-girdle muscular dystrophy, type 2A; Muscular dystrophy, limb-girdle, type 2A, Amish; LEYDEN-MOEBIUS MUSCULAR DYSTROPHY; MUSCULAR DYSTROPHY, PELVOFEMORAL; Calpainopathy. Identifiers: Orphanet 267, MedGen C1869123, MONDO:0009675, OMIM 253600. Disease mechanism: loss of function.

Allele frequency attached by ClinVar (database versions not stated): gnomAD exomes below 0.00001.
gnomAD v4.1: 1 of 1,614,022 alleles (0.000062%); highest among the groups gnomAD compares: Non-Finnish European, 0.000085%; no homozygotes.

Submissions (4):

OLLIN Analises Genomicas, OLLIN
Classification: Likely pathogenic for Autosomal recessive limb-girdle muscular dystrophy type 2A. Last evaluated: 2026-02-13. Review status: criteria provided, single submitter. Criteria: ACMG Guidelines 2015 PMID 25741868. Collection method: clinical testing. Allele origin: germline. Observed: 1 variant allele.
Comment: PVS1_VS, PM2_P, PM3_P

Natera, Inc.
Classification: Pathogenic for Limb-girdle muscular dystrophy type 2A. Last evaluated: 2025-07-03. Review status: criteria provided, single submitter. Criteria: Natera Variant Classification Schema (03/2026). Collection method: clinical testing. Allele origin: germline.
Comment: The c.1456C>T variant in CAPN3 is a nonsense variant predicted to introduce a stop codon at amino acid 486. This variant is expected to result in nonsense mediated decay, truncation, or a dysfunctional protein product. This variant is rare in the general population with a frequency below the threshold expected for the associated phenotype(s). This variant has been observed in one or more individuals affected with the associated recessive disease, as either homozygous or compound heterozygous with a second variant (PMID: 31268554). Given the available evidence, this variant is classified as Pathogenic.

Revvity Omics, Revvity
Classification: Likely pathogenic. Last evaluated: 2024-11-27. Review status: criteria provided, single submitter. Criteria: ACMG Guidelines, 2015. Collection method: clinical testing. Allele origin: germline.

Labcorp Genetics (formerly Invitae), Labcorp
Classification: Pathogenic for Autosomal recessive limb-girdle muscular dystrophy type 2A. Last evaluated: 2023-06-14. Review status: criteria provided, single submitter. Criteria: Invitae Variant Classification Sherloc (09022015). Collection method: clinical testing. Allele origin: germline.
Comment: This sequence change creates a premature translational stop signal (p.Gln486*) in the CAPN3 gene. It is expected to result in an absent or disrupted protein product. Loss-of-function variants in CAPN3 are known to be pathogenic (PMID: 10330340, 15689361). This variant is not present in population databases (gnomAD no frequency). This premature translational stop signal has been observed in individual(s) with autosomal recessive limb-girdle muscular dystrophy (PMID: 31268554). ClinVar contains an entry for this variant (Variation ID: 1450732). For these reasons, this variant has been classified as Pathogenic.

Literature cited by the submitters: PubMed 31268554 (cited by Natera, Inc. and Labcorp Genetics (formerly Invitae), Labcorp); PubMed 10330340 (cited by Labcorp Genetics (formerly Invitae), Labcorp); PubMed 15689361 (cited by Labcorp Genetics (formerly Invitae), Labcorp).